The following is an entry in ClinVar:

ClinVar aggregate classification (germline): Uncertain significance (1 of 4 stars; one submission).

Allele frequency attached by ClinVar (database versions not stated): gnomAD exomes below 0.00001.
gnomAD v4.1: 7 of 1,614,144 alleles (0.00043%); highest among the groups gnomAD compares: Non-Finnish European, 0.00059%; no homozygotes.

Submission:

Labcorp Genetics (formerly Invitae), Labcorp
Classification: Uncertain significance. Last evaluated: 2023-10-11. Review status: criteria provided, single submitter. Criteria: Invitae Variant Classification Sherloc (09022015). Collection method: clinical testing. Allele origin: germline.
Comment: This sequence change replaces leucine, which is neutral and non-polar, with phenylalanine, which is neutral and non-polar, at codon 139 of the PPP2R5D protein (p.Leu139Phe). This variant is present in population databases (no rsID available, gnomAD 0.0009%). This variant has not been reported in the literature in individuals affected with PPP2R5D-related conditions. An algorithm developed to predict the effect of missense changes on protein structure and function (PolyPhen-2) suggests that this variant is likely to be disruptive. In summary, the available evidence is currently insufficient to determine the role of this variant in disease. Therefore, it has been classified as a Variant of Uncertain Significance.

NM_006245.4(PPP2R5D):c.415C>T (p.Leu139Phe)

Gene: PPP2R5D (protein phosphatase 2 regulatory subunit B'delta; plus strand). Cytogenetic location: 6p21.1.
Variant type: single nucleotide variant.
Coding change: c.415C>T on transcript NM_006245.4 (MANE Select); coding-DNA position 415, C replaced by T.
Protein change: p.Leu139Phe; replaces leucine 139 with phenylalanine.
Molecular consequence: missense variant. On other transcripts: 5 prime UTR variant (1).
Genome position (GRCh38, 1-based): chr6:43,007,003, C>T. VCF-style: chr6-43007003-C-T. GRCh37 (hg19) VCF-style: chr6-42974741-C-T.
Other names: c.-39C>T (NM_001270476.2); c.319C>T, p.Leu107Phe (NM_180976.3); c.97C>T, p.Leu33Phe (NM_180977.3); short protein forms L107F, L33F, L139F.
Identifiers: ClinVar variation 2762566 (VCV002762566.3), dbSNP rs1474342051, ClinGen allele CA364182866.